The following is an entry in ClinVar:

NM_014000.3(VCL):c.460A>C (p.Met154Leu)

Gene: VCL (vinculin; plus strand). Cytogenetic location: 10q22.2.
Variant type: single nucleotide variant.
Coding change: c.460A>C on transcript NM_014000.3 (MANE Select); coding-DNA position 460, A replaced by C.
Protein change: p.Met154Leu; replaces methionine 154 with leucine.
Molecular consequence: missense variant.
Genome position (GRCh38, 1-based): chr10:74,071,044, A>C. VCF-style: chr10-74071044-A-C. GRCh37 (hg19) VCF-style: chr10-75830802-A-C.
Other names: c.460A>C, p.Met154Leu (NM_003373.4); short protein forms M154L.
Identifiers: ClinVar variation 3331938 (VCV003331938.1).

ClinVar aggregate classification (germline): Uncertain significance (1 of 4 stars; one submission).

Conditions:
Cardiovascular phenotype. Identifiers: MedGen CN230736.

Submission:

Ambry Genetics
Classification: Uncertain significance for Cardiovascular phenotype. Last evaluated: 2024-04-12. Review status: criteria provided, single submitter. Criteria: Ambry Variant Classification Scheme 2023. Collection method: clinical testing. Allele origin: germline.
Comment: The p.M154L variant (also known as c.460A>C), located in coding exon 4 of the VCL gene, results from an A to C substitution at nucleotide position 460. The methionine at codon 154 is replaced by leucine, an amino acid with highly similar properties. This amino acid position is conserved. In addition, the in silico prediction for this alteration is inconclusive. Based on the available evidence, the clinical significance of this variant remains unclear.